The following is an entry in ClinVar:

ClinVar aggregate classification (germline): Likely pathogenic (1 of 4 stars; one submission).

Conditions:
Autism spectrum disorder - epilepsy - arthrogryposis syndrome (AMRS). Identifiers: Orphanet 370943, MedGen C3809910, MONDO:0014248, OMIM 615553.

Allele frequency attached by ClinVar (database versions not stated): gnomAD exomes below 0.00001; ExAC 0.00002.
gnomAD v4.1: 3 of 1,504,090 alleles (0.0002%); highest among the groups gnomAD compares: South Asian, 0.0041%; no homozygotes.

Submission:

Labcorp Genetics (formerly Invitae), Labcorp
Classification: Likely pathogenic for Autism spectrum disorder - epilepsy - arthrogryposis syndrome. Last evaluated: 2023-09-29. Review status: criteria provided, single submitter. Criteria: Invitae Variant Classification Sherloc (09022015). Collection method: clinical testing. Allele origin: germline.
Comment: In summary, the currently available evidence indicates that the variant is pathogenic, but additional data are needed to prove that conclusively. Therefore, this variant has been classified as Likely Pathogenic. Algorithms developed to predict the effect of sequence changes on RNA splicing suggest that this variant may disrupt the consensus splice site. This variant has not been reported in the literature in individuals affected with SLC35A3-related conditions. This variant is present in population databases (rs750883857, gnomAD 0.009%). This sequence change affects an acceptor splice site in intron 2 of the SLC35A3 gene. It is expected to disrupt RNA splicing. Variants that disrupt the donor or acceptor splice site typically lead to a loss of protein function (PMID: 16199547), and loss-of-function variants in SLC35A3 are known to be pathogenic (PMID: 24031089, 28328131).

Literature cited by the submitters: PubMed 16199547; PubMed 24031089; PubMed 28328131.

NM_012243.3(SLC35A3):c.188-1G>T

Gene: SLC35A3 (solute carrier family 35 member A3; plus strand). Cytogenetic location: 1p21.2.
Variant type: single nucleotide variant.
Coding change: c.188-1G>T on transcript NM_012243.3 (MANE Select); the canonical splice acceptor site of the intron before coding-DNA position 188, G replaced by T.
Molecular consequence: splice acceptor variant.
Genome position (GRCh38, 1-based): chr1:99,999,260, G>T. VCF-style: chr1-99999260-G-T. GRCh37 (hg19) VCF-style: chr1-100464816-G-T.
Other names: c.188-1G>T (NM_001271684.2); c.314-1G>T (NM_001271685.2).
Identifiers: ClinVar variation 2807529 (VCV002807529.3), dbSNP rs750883857, ClinGen allele CA967540.